The following is an entry in ClinVar:

ClinVar aggregate classification (germline): Pathogenic/Likely pathogenic. Review status: criteria provided, multiple submitters, no conflicts (2 of 4 stars). 4 submissions from 4 submitters: Pathogenic (1); Likely pathogenic (3). Last evaluated 2023-04-14.

Conditions:
Joubert syndrome with renal defect. Also called: JOUBERT SYNDROME 4. Identifiers: Orphanet 220497, MedGen C1846790, MONDO:0012308, OMIM 609583.
Senior-Loken syndrome 1 (SLSN1). Also called: JUVENILE NEPHRONOPHTHISIS WITH LEBER AMAUROSIS. Identifiers: Orphanet 3156, MedGen C4551559, MONDO:0009962, OMIM 266900.
Nephronophthisis 1 (NPHP1). Also called: Nephronophthisis familial juvenile. Identifiers: Orphanet 655, Orphanet 93592, MedGen C1855681, MONDO:0009728, OMIM 256100.
Nephronophthisis. Also called: Juvenile Nephronophthisis. Identifiers: Orphanet 655, MedGen C0687120, MONDO:0019005, HP:0000090.

Allele frequency attached by ClinVar (database versions not stated): gnomAD 0.00001; TOPMed 0.00002.
gnomAD v4.1: 2 of 1,612,882 alleles (0.00012%); highest among the groups gnomAD compares: African/African-American, 0.0013%; no homozygotes.

Submissions (4):

Labcorp Genetics (formerly Invitae), Labcorp
Classification: Pathogenic for Nephronophthisis. Last evaluated: 2023-04-14. Review status: criteria provided, single submitter. Criteria: Invitae Variant Classification Sherloc (09022015). Collection method: clinical testing. Allele origin: germline.
Comment: This sequence change creates a premature translational stop signal (p.Glu215*) in the NPHP1 gene. It is expected to result in an absent or disrupted protein product. Loss-of-function variants in NPHP1 are known to be pathogenic (PMID: 23559409). This variant is present in population databases (no rsID available, gnomAD 0.01%). For these reasons, this variant has been classified as Pathogenic. ClinVar contains an entry for this variant (Variation ID: 838041). This variant has not been reported in the literature in individuals affected with NPHP1-related conditions.

Baylor Genetics
Classification: Likely pathogenic for Joubert syndrome with renal defect. Last evaluated: 2023-01-05. Review status: criteria provided, single submitter. Criteria: ACMG Guidelines, 2015. Collection method: clinical testing. Allele origin: unknown.

Fulgent Genetics
Classification: Likely pathogenic for Nephronophthisis 1; Senior-Loken syndrome 1; Joubert syndrome with renal defect. Last evaluated: 2021-08-31. Review status: criteria provided, single submitter. Criteria: ACMG Guidelines, 2015. Collection method: clinical testing. Allele origin: unknown.

Juno Genomics, Hangzhou Juno Genomics, Inc
Classification: Likely pathogenic for Joubert syndrome with renal defect; Nephronophthisis 1; Senior-Loken syndrome 1. Review status: criteria provided, single submitter. Criteria: ACMG Guidelines, 2015. Collection method: clinical testing. Allele origin: germline.
Comment: Null variant in a gene where loss of function (LOF) is a known mechanism of disease.;Absent from controls (or at extremely low frequency if recessive) in Genome Aggregation Database.

Literature cited by the submitters: PubMed 23559409 (cited by Labcorp Genetics (formerly Invitae), Labcorp).

NM_001128178.3(NPHP1):c.643G>T (p.Glu215Ter)

Gene: NPHP1 (nephrocystin 1; minus strand). Cytogenetic location: 2q13.
Variant type: single nucleotide variant.
Coding change: c.643G>T on transcript NM_001128178.3 (MANE Select); coding-DNA position 643, G replaced by T.
Protein change: p.Glu215Ter; replaces glutamic acid 215 with a stop codon.
Molecular consequence: nonsense.
Genome position (GRCh38, 1-based): chr2:110,165,137, C>A on the plus strand (G>T on the coding strand, the complement: NPHP1 is on the minus strand). VCF-style: chr2-110165137-C-A. GRCh37 (hg19) VCF-style: chr2-110922714-C-A.
Other names: c.643G>T, p.Glu215Ter (NM_000272.5, NM_001374256.1, NM_001374257.1 and 1 more transcripts); c.457G>T, p.Glu153Ter (NM_001128179.3); short protein forms E153*, E215*.
Identifiers: ClinVar variation 838041 (VCV000838041.12), dbSNP rs753517219, ClinGen allele CA348092391.